The following is an entry in ClinVar:

ClinVar aggregate classification (germline): Uncertain significance (1 of 4 stars; one submission).

Allele frequency attached by ClinVar (database versions not stated): gnomAD exomes below 0.00001; gnomAD 0.00003; TOPMed 0.00004.
gnomAD v4.1: 11 of 1,612,160 alleles (0.00068%); highest among the groups gnomAD compares: African/African-American, 0.011%; no homozygotes.

Submission:

GeneDx
Classification: Uncertain significance. Last evaluated: 2023-01-18. Review status: criteria provided, single submitter. Criteria: GeneDx Variant Classification Process June 2021. Collection method: clinical testing. Allele origin: germline. Affected: yes.
Comment: Not observed at significant frequency in large population cohorts (gnomAD); In silico analysis supports that this missense variant has a deleterious effect on protein structure/function; Has not been previously published as pathogenic or benign to our knowledge

NM_004667.6(HERC2):c.5347G>A (p.Ala1783Thr)

Gene: HERC2 (HECT and RLD domain containing E3 ubiquitin protein ligase 2; minus strand). Cytogenetic location: 15q13.1.
Variant type: single nucleotide variant.
Coding change: c.5347G>A on transcript NM_004667.6 (MANE Select); coding-DNA position 5347, G replaced by A.
Protein change: p.Ala1783Thr; replaces alanine 1783 with threonine.
Molecular consequence: missense variant.
Genome position (GRCh38, 1-based): chr15:28,228,335, C>T on the plus strand (G>A on the coding strand, the complement: HERC2 is on the minus strand). VCF-style: chr15-28228335-C-T. GRCh37 (hg19) VCF-style: chr15-28473481-C-T.
Other names: short protein forms A1783T.
Identifiers: ClinVar variation 2573876 (VCV002573876.1), dbSNP rs1445468447, ClinGen allele CA391377082.